The following is an entry in ClinVar:

ClinVar aggregate classification (germline): Uncertain significance (1 of 4 stars; one submission).

Conditions:
Brown-Vialetto-van Laere syndrome 2. Also called: SPINOCEREBELLAR ATAXIA WITH BLINDNESS AND DEAFNESS 2; Riboflavin transporter deficiency type 2. Identifiers: Orphanet 572543, Orphanet 97229, MedGen C3553538, MONDO:0013867, OMIM 614707.

Allele frequency attached by ClinVar (database versions not stated): gnomAD exomes below 0.00001 and 0.00001; TOPMed 0.00001; gnomAD 0.00001.

Submission:

Labcorp Genetics (formerly Invitae), Labcorp
Classification: Uncertain significance for Brown-Vialetto-van Laere syndrome 2. Last evaluated: 2022-05-31. Review status: criteria provided, single submitter. Criteria: Invitae Variant Classification Sherloc (09022015). Collection method: clinical testing. Allele origin: germline.
Comment: This sequence change replaces threonine, which is neutral and polar, with isoleucine, which is neutral and non-polar, at codon 92 of the SLC52A2 protein (p.Thr92Ile). This variant is present in population databases (no rsID available, gnomAD 0.0009%). This variant has not been reported in the literature in individuals affected with SLC52A2-related conditions. ClinVar contains an entry for this variant (Variation ID: 840383). Advanced modeling of protein sequence and biophysical properties (such as structural, functional, and spatial information, amino acid conservation, physicochemical variation, residue mobility, and thermodynamic stability) performed at Invitae indicates that this missense variant is not expected to disrupt SLC52A2 protein function. In summary, the available evidence is currently insufficient to determine the role of this variant in disease. Therefore, it has been classified as a Variant of Uncertain Significance.

NM_001363118.2(SLC52A2):c.275C>T (p.Thr92Ile)

Gene: SLC52A2 (solute carrier family 52 member 2; plus strand). Cytogenetic location: 8q24.3.
Variant type: single nucleotide variant.
Coding change: c.275C>T on transcript NM_001363118.2 (MANE Select); coding-DNA position 275, C replaced by T.
Protein change: p.Thr92Ile; replaces threonine 92 with isoleucine.
Molecular consequence: missense variant. On other transcripts: non-coding transcript variant (1), intron variant (1).
Genome position (GRCh38, 1-based): chr8:144,359,767, C>T. VCF-style: chr8-144359767-C-T. GRCh37 (hg19) VCF-style: chr8-145583427-C-T.
Other names: c.275C>T, p.Thr92Ile (NM_001253815.2, NM_001253816.2, NM_001363120.2 and 2 more transcripts); c.130+344C>T (NM_001363122.2); short protein forms T92I.
Identifiers: ClinVar variation 840383 (VCV000840383.4), dbSNP rs1318322133, ClinGen allele CA372626670.